The following is an entry in ClinVar:

ClinVar aggregate classification (germline): Uncertain significance (1 of 4 stars; one submission).

Allele frequency attached by ClinVar (database versions not stated): TOPMed below 0.00001; gnomAD 0.00001 and 0.00004; gnomAD exomes 0.00003 and 0.00006; ExAC 0.00007; 1000 Genomes Project 30x 0.00062; 1000 Genomes Project 0.00080.
gnomAD v4.1: 55 of 1,613,946 alleles (0.0034%); highest among the groups gnomAD compares: South Asian, 0.016%; 1 homozygote.

Submission:

Labcorp Genetics (formerly Invitae), Labcorp
Classification: Uncertain significance. Last evaluated: 2023-08-30. Review status: criteria provided, single submitter. Criteria: Invitae Variant Classification Sherloc (09022015). Collection method: clinical testing. Allele origin: germline.
Comment: This sequence change replaces arginine, which is basic and polar, with glutamine, which is neutral and polar, at codon 755 of the ARHGEF18 protein (p.Arg755Gln). This variant is present in population databases (rs200904128, gnomAD 0.03%). This variant has not been reported in the literature in individuals affected with ARHGEF18-related conditions. ClinVar contains an entry for this variant (Variation ID: 1481352). Algorithms developed to predict the effect of missense changes on protein structure and function output the following: SIFT: "Not Available"; PolyPhen-2: "Benign"; Align-GVGD: "Not Available". The glutamine amino acid residue is found in multiple mammalian species, which suggests that this missense change does not adversely affect protein function. In summary, the available evidence is currently insufficient to determine the role of this variant in disease. Therefore, it has been classified as a Variant of Uncertain Significance.

NM_001367823.1(ARHGEF18):c.2828G>A (p.Arg943Gln)

Gene: ARHGEF18 (Rho/Rac guanine nucleotide exchange factor 18; plus strand). Cytogenetic location: 19p13.2.
Variant type: single nucleotide variant.
Coding change: c.2828G>A on transcript NM_001367823.1 (MANE Select); coding-DNA position 2828, G replaced by A.
Protein change: p.Arg943Gln; replaces arginine 943 with glutamine.
Molecular consequence: missense variant.
Genome position (GRCh38, 1-based): chr19:7,464,614, G>A. VCF-style: chr19-7464614-G-A. GRCh37 (hg19) VCF-style: chr19-7529500-G-A.
Other names: c.2102G>A, p.Arg701Gln (NM_001130955.2); c.1790G>A, p.Arg597Gln (NM_001367824.1, NM_015318.4); short protein forms R701Q, R943Q, R597Q.
Identifiers: ClinVar variation 1481352 (VCV001481352.4), dbSNP rs200904128, ClinGen allele CA9136996.
Genomic context (GRCh38, chr19:7,464,614, plus strand): 5'-TCTCAGATGGCAGTTTCAAGAAGAAAGTCAGCAGCACTGACCCCAGGCCCCGAGACTGGC[G>A]AGGCCCCCCAAACAGCCCGGACTTGAAGCTCAGTGACAGTGACATTCCTGGGAGCTCTGA-3'
Protein context (NP_001354752.1, residues 933-953): SSTDPRPRDW[Arg943Gln]GPPNSPDLKL